The following is an entry in ClinVar:

ClinVar aggregate classification (germline): Uncertain significance. Review status: criteria provided, multiple submitters, no conflicts (2 of 4 stars). 2 submissions from 2 submitters: Uncertain significance (2). Last evaluated 2025-06-10.

Conditions:
Kufor-Rakeb syndrome (KRS). Also called: PARKINSON DISEASE 9, AUTOSOMAL RECESSIVE, JUVENILE-ONSET. Identifiers: Orphanet 306674, Orphanet 314632, MedGen C1847640, MONDO:0011706, OMIM 606693.

Allele frequency attached by ClinVar (database versions not stated): gnomAD 0.00001 and 0.00002; ExAC 0.00002; TOPMed 0.00002.

Submissions (2):

Women's Health and Genetics/Laboratory Corporation of America, LabCorp
Classification: Uncertain significance. Last evaluated: 2025-06-10. Review status: criteria provided, single submitter. Criteria: LabCorp Variant Classification Summary - May 2015. Collection method: clinical testing. Allele origin: germline.
Comment: Variant summary: ATP13A2 c.2440G>A (p.Val814Met) results in a conservative amino acid change in the encoded protein sequence. Algorithms developed to predict the effect of missense changes on protein structure and function all suggest that this variant is likely to be tolerated. The variant allele was found at a frequency of 8.4e-06 in 238986 control chromosomes. The available data on variant occurrences in the general population are insufficient to allow any conclusion about variant significance. c.2440G>A has been observed in compound heterozygous state in an individual affected with clinical features of Neurodegeneration With Brain Iron Accumulation (Ganapathy_2019). These data do not allow any conclusion about variant significance. To our knowledge, no experimental evidence demonstrating an impact on protein function has been reported. The following publications have been ascertained in the context of this evaluation (PMID: 34272103, 31069529, 31933133). ClinVar contains an entry for this variant (Variation ID: 875295). Based on the evidence outlined above, the variant was classified as uncertain significance.

Illumina Laboratory Services, Illumina
Classification: Uncertain significance for Kufor-Rakeb syndrome. Last evaluated: 2018-01-12. Review status: criteria provided, single submitter. Criteria: ICSL Variant Classification Criteria 13 December 2019. Collection method: clinical testing. Allele origin: germline.

Literature cited by the submitters: PubMed 34272103 (cited by Women's Health and Genetics/Laboratory Corporation of America, LabCorp); PubMed 31069529 (cited by Women's Health and Genetics/Laboratory Corporation of America, LabCorp); PubMed 31933133 (cited by Women's Health and Genetics/Laboratory Corporation of America, LabCorp).

NM_022089.4(ATP13A2):c.2440G>A (p.Val814Met)

Gene: ATP13A2 (ATPase cation transporting 13A2; minus strand). Cytogenetic location: 1p36.13.
Variant type: single nucleotide variant.
Coding change: c.2440G>A on transcript NM_022089.4 (MANE Select); coding-DNA position 2440, G replaced by A.
Protein change: p.Val814Met; replaces valine 814 with methionine.
Molecular consequence: missense variant. On other transcripts: intron variant (1).
Genome position (GRCh38, 1-based): chr1:16,989,976, C>T on the plus strand (G>A on the coding strand, the complement: ATP13A2 is on the minus strand). VCF-style: chr1-16989976-C-T. GRCh37 (hg19) VCF-style: chr1-17316471-C-T.
Other names: c.2425G>A, p.Val809Met (NM_001141973.3); c.2397+151G>A (NM_001141974.3); short protein forms V809M, V814M.
Identifiers: ClinVar variation 875295 (VCV000875295.5), dbSNP rs748454159, ClinGen allele CA636824.
Genomic context (GRCh38, chr1:16,989,976, plus strand): 5'-CAATGATACCAAAGGTGGGCCCGCTGAGGGCCAGGTGCCTGGATCGGGGGTCTGGCTCCA[C>T]GGTGTAGCTTGCAGCCTGGTCAGGATCCTGGGGGCCCAGGAAGCTCAGCTTAGCTCCCCC-3'
Protein context (NP_071372.1, residues 804-824): KDPDQAASYT[Val814Met]EPDPRSRHLA